The following is an entry in ClinVar:

ClinVar aggregate classification (germline): Uncertain significance (1 of 4 stars; one submission).

Allele frequency attached by ClinVar (database versions not stated): gnomAD exomes below 0.00001.
gnomAD v4.1: 2 of 1,551,922 alleles (0.00013%); highest among the groups gnomAD compares: Non-Finnish European, 0.00017%; no homozygotes.

Submission:

Labcorp Genetics (formerly Invitae), Labcorp
Classification: Uncertain significance. Last evaluated: 2021-10-11. Review status: criteria provided, single submitter. Criteria: Invitae Variant Classification Sherloc (09022015). Collection method: clinical testing. Allele origin: germline.
Comment: In summary, the available evidence is currently insufficient to determine the role of this variant in disease. Therefore, it has been classified as a Variant of Uncertain Significance. Algorithms developed to predict the effect of missense changes on protein structure and function output the following: SIFT: "Deleterious"; PolyPhen-2: "Benign"; Align-GVGD: "Class C45". The serine amino acid residue is found in multiple mammalian species, which suggests that this missense change does not adversely affect protein function. This variant has not been reported in the literature in individuals affected with DTHD1-related conditions. This variant is not present in population databases (ExAC no frequency). This sequence change replaces asparagine with serine at codon 270 of the DTHD1 protein (p.Asn270Ser). The asparagine residue is highly conserved and there is a small physicochemical difference between asparagine and serine.

NM_001170700.3(DTHD1):c.1679A>G (p.Asn560Ser)

Gene: DTHD1 (death domain containing 1; plus strand). Cytogenetic location: 4p14.
Variant type: single nucleotide variant.
Coding change: c.1679A>G on transcript NM_001170700.3 (MANE Select); coding-DNA position 1679, A replaced by G.
Protein change: p.Asn560Ser; replaces asparagine 560 with serine.
Molecular consequence: missense variant. On other transcripts: non-coding transcript variant (2).
Genome position (GRCh38, 1-based): chr4:36,306,226, A>G. VCF-style: chr4-36306226-A-G. GRCh37 (hg19) VCF-style: chr4-36307848-A-G.
Other names: c.809A>G, p.Asn270Ser (NM_001136536.5); c.746A>G, p.Asn249Ser (NM_001378435.1); short protein forms N270S, N560S, N249S.
Identifiers: ClinVar variation 1482943 (VCV001482943.6), dbSNP rs2109493429, ClinGen allele CA356680347.